The following is an entry in ClinVar:

NM_172362.3(KCNH1):c.2715C>G (p.Pro905=)

Gene: KCNH1 (potassium voltage-gated channel subfamily H member 1; minus strand). Cytogenetic location: 1q32.2.
Variant type: single nucleotide variant.
Coding change: c.2715C>G on transcript NM_172362.3 (MANE Select); coding-DNA position 2715, C replaced by G.
Protein change: p.Pro905=; no amino-acid change (proline 905 retained).
Molecular consequence: synonymous variant.
Genome position (GRCh38, 1-based): chr1:210,683,536, G>C on the plus strand (C>G on the coding strand, the complement: KCNH1 is on the minus strand). VCF-style: chr1-210683536-G-C. GRCh37 (hg19) VCF-style: chr1-210856878-G-C.
Other names: c.2634C>G, p.Pro878= (NM_002238.4).
Identifiers: ClinVar variation 4873010 (VCV004873010.2).

ClinVar aggregate classification (germline): Likely benign (1 of 4 stars; one submission).

Submission:

CeGaT Center for Human Genetics Tuebingen
Classification: Likely benign. Last evaluated: 2026-05-01. Review status: criteria provided, single submitter. Criteria: CeGaT Center For Human Genetics Tuebingen Variant Classification Criteria Version 2. Collection method: clinical testing. Allele origin: germline. Affected: yes. Observed: 4 variant alleles.
Comment: KCNH1: PM2:Supporting, BP4, BP7